The following is an entry in ClinVar:

ClinVar aggregate classification (germline): Uncertain significance. Review status: criteria provided, multiple submitters, no conflicts (2 of 4 stars). 3 submissions from 3 submitters: Uncertain significance (3). Last evaluated 2022-06-13.

Conditions:
Familial cancer of breast. Also called: Hereditary breast cancer; BREAST CANCER, FAMILIAL; hereditary breast carcinoma. Identifiers: Orphanet 227535, MedGen C0346153, MONDO:0016419, OMIM 114480. Disease mechanism: loss of function.
Fanconi anemia complementation group J. Also called: BRIP1-Related Fanconi Anemia. Identifiers: Orphanet 84, MedGen C1836860, MONDO:0012187, OMIM 609054.
Hereditary cancer-predisposing syndrome. Also called: Hereditary neoplastic syndrome; Tumor predisposition; Neoplastic Syndromes, Hereditary; Hereditary Cancer Syndrome. Identifiers: Orphanet 140162, MedGen C0027672, MeSH D009386, MONDO:0015356.

Submissions (3):

Women's Health and Genetics/Laboratory Corporation of America, LabCorp
Classification: Uncertain significance. Last evaluated: 2022-06-13. Review status: criteria provided, single submitter. Criteria: LabCorp Variant Classification Summary - May 2015. Collection method: clinical testing. Allele origin: germline.

Labcorp Genetics (formerly Invitae), Labcorp
Classification: Uncertain significance for Familial cancer of breast; Fanconi anemia complementation group J. Last evaluated: 2021-08-24. Review status: criteria provided, single submitter. Criteria: Invitae Variant Classification Sherloc (09022015). Collection method: clinical testing. Allele origin: germline.
Comment: This variant has not been reported in the literature in individuals with BRIP1-related conditions. In summary, the available evidence is currently insufficient to determine the role of this variant in disease. Therefore, it has been classified as a Variant of Uncertain Significance. Algorithms developed to predict the effect of missense changes on protein structure and function output the following: SIFT: "Tolerated"; PolyPhen-2: "Benign"; Align-GVGD: "Class C0". The glutamine amino acid residue is found in multiple mammalian species, suggesting that this missense change does not adversely affect protein function. These predictions have not been confirmed by published functional studies and their clinical significance is uncertain. This variant is not present in population databases (ExAC no frequency). This sequence change replaces histidine with glutamine at codon 323 of the BRIP1 protein (p.His323Gln). The histidine residue is weakly conserved and there is a small physicochemical difference between histidine and glutamine.

Ambry Genetics
Classification: Uncertain significance for Hereditary cancer-predisposing syndrome. Last evaluated: 2020-01-06. Review status: criteria provided, single submitter. Criteria: Ambry Variant Classification Scheme 2023. Collection method: clinical testing. Allele origin: germline.
Comment: The p.H323Q variant (also known as c.969C>G), located in coding exon 7 of the BRIP1 gene, results from a C to G substitution at nucleotide position 969. The histidine at codon 323 is replaced by glutamine, an amino acid with highly similar properties. This amino acid position is not well conserved in available vertebrate species, and glutamine is the reference amino acid in other vertebrate species. In addition, this alteration is predicted to be tolerated by in silico analysis. Since supporting evidence is limited at this time, the clinical significance of this alteration remains unclear.

NM_032043.3(BRIP1):c.969C>G (p.His323Gln)

Gene: BRIP1 (BRCA1 interacting DNA helicase 1; minus strand). Cytogenetic location: 17q23.2.
Variant type: single nucleotide variant.
Coding change: c.969C>G on transcript NM_032043.3 (MANE Select); coding-DNA position 969, C replaced by G.
Protein change: p.His323Gln; replaces histidine 323 with glutamine.
Molecular consequence: missense variant.
Genome position (GRCh38, 1-based): chr17:61,801,424, G>C on the plus strand (C>G on the coding strand, the complement: BRIP1 is on the minus strand). VCF-style: chr17-61801424-G-C. GRCh37 (hg19) VCF-style: chr17-59878785-G-C.
Other names: short protein forms H323Q.
Identifiers: ClinVar variation 960568 (VCV000960568.12), dbSNP rs1555607775, ClinGen allele CA400484212.
Genomic context (GRCh38, chr17:61,801,424, plus strand): 5'-CAGGCTGACAAGTTCTTCTATATCCCAGGCTTTGCACATCCCTTGGAAAGTCTGTAATGT[G>C]TGCTGATCACTAATTTTATGAACTCCATGATAAAAATAGCAGGATTTTCCCTAGAAACAA-3'
Protein context (NP_114432.2, residues 313-333): YHGVHKISDQ[His323Gln]TLQTFQGMCK